The following is an entry in ClinVar:

ClinVar aggregate classification (germline): Uncertain significance. Review status: criteria provided, multiple submitters, no conflicts (2 of 4 stars). 4 submissions from 4 submitters: Uncertain significance (3). 1 of the submissions does not count toward it. Last evaluated 2026-06-17.

Conditions:
Hypercholesterolemia, autosomal dominant, 3 (FHCL3). Also called: Familial Hypercholesterolemia, Autosomal Dominant, 3; PCSK9-Related Familial Hypercholesterolemia, Autosomal Dominant; Familial hypercholesterolemia 3. Identifiers: MedGen C1863551, MONDO:0011369, OMIM 603776.
Familial hypercholesterolemia. Also called: Familial hypercholesterolemias; Familial hypercholesterolaemia. Identifiers: MedGen C0020445, MONDO:0005439.

Allele frequency attached by ClinVar (database versions not stated): gnomAD exomes 0.00001.
gnomAD v4.1: 12 of 1,614,010 alleles (0.00074%); highest among the groups gnomAD compares: Middle Eastern, 0.017%; no homozygotes.

Submissions (4):

Cambridge Genomics Laboratory, East Genomic Laboratory Hub, NHS Genomic Medicine Service
Classification: Uncertain significance for Familial hypercholesterolaemia. Last evaluated: 2026-06-17. Review status: criteria provided, single submitter. Criteria: ACGS Best Practice Guidelines for Variant Classification in Rare Disease 2020. Collection method: clinical testing. Allele origin: germline. Affected: yes.
Comment: BS1_Strong

All of Us Research Program, National Institutes of Health
Classification: Uncertain significance for Hypercholesterolemia, autosomal dominant, 3. Last evaluated: 2023-12-13. Review status: criteria provided, single submitter. Criteria: ACMG Guidelines, 2015. Collection method: clinical testing. Allele origin: germline. Inheritance: Autosomal dominant inheritance. Observed: 1 variant allele, 1 heterozygote.
Comment: This missense variant replaces serine with phenylalanine at codon 642 of the PCSK9 protein. Computational prediction suggests that this variant may not impact protein structure and function (internally defined REVEL score threshold <= 0.5, PMID: 27666373). To our knowledge, functional studies have not been reported for this variant. This variant has not been reported in individuals affected with PCSK9-related disorders in the literature. This variant has not been identified in the general population by the Genome Aggregation Database (gnomAD). The available evidence is insufficient to determine the role of this variant in disease conclusively. Therefore, this variant is classified as a Variant of Uncertain Significance.

This study involves interpretation of variants in research participants for the purpose of population health screening. Participant phenotype was not available at the time of variant classification. Additional details can be found in publication PMID: 35346344, PMCID: PMC8962531

Color Diagnostics, LLC DBA Color Health
Classification: Uncertain significance for Familial hypercholesterolemia. Last evaluated: 2023-11-08. Review status: criteria provided, single submitter. Criteria: ACMG Guidelines, 2015. Collection method: clinical testing. Allele origin: germline.
Comment: This missense variant replaces serine with phenylalanine at codon 642 of the PCSK9 protein. Computational prediction suggests that this variant may not impact protein structure and function (internally defined REVEL score threshold <= 0.5, PMID: 27666373). To our knowledge, functional studies have not been reported for this variant. This variant has not been reported in individuals affected with PCSK9-related disorders in the literature. This variant has not been identified in the general population by the Genome Aggregation Database (gnomAD). The available evidence is insufficient to determine the role of this variant in disease conclusively. Therefore, this variant is classified as a Variant of Uncertain Significance.

Cardiovascular Genetics Laboratory, PathWest Laboratory Medicine WA - Fiona Stanley Hospital
Classification: Uncertain significance for Hypercholesterolemia, autosomal dominant, 3. Last evaluated: 2024-07-24. Review status: no assertion criteria provided. Criteria: ACMG Guidelines, 2015. Collection method: clinical testing. Allele origin: germline. Affected: yes. Not counted in ClinVar's aggregate classification.

NM_174936.4(PCSK9):c.1925C>T (p.Ser642Phe)

Gene: PCSK9 (proprotein convertase subtilisin/kexin type 9; plus strand). Cytogenetic location: 1p32.3.
Variant type: single nucleotide variant.
Coding change: c.1925C>T on transcript NM_174936.4 (MANE Select); coding-DNA position 1925, C replaced by T.
Protein change: p.Ser642Phe; replaces serine 642 with phenylalanine.
Molecular consequence: missense variant. On other transcripts: non-coding transcript variant (8).
Genome position (GRCh38, 1-based): chr1:55,063,430, C>T. VCF-style: chr1-55063430-C-T. GRCh37 (hg19) VCF-style: chr1-55529103-C-T.
Other names: c.2048C>T, p.Ser683Phe (NM_001407240.1); c.1967C>T, p.Ser656Phe (NM_001407241.1); c.1928C>T, p.Ser643Phe (NM_001407242.1); c.1868C>T, p.Ser623Phe (NM_001407243.1); c.1751C>T, p.Ser584Phe (NM_001407244.1); c.1733C>T, p.Ser578Phe (NM_001407245.1); c.1550C>T, p.Ser517Phe (NM_001407246.1); c.1424C>T, p.Ser475Phe (NM_001407247.1); short protein forms S475F, S517F, S578F, S584F, S623F, S642F, S643F, S656F.
Identifiers: ClinVar variation 3074854 (VCV003074854.4), dbSNP rs1644777579, ClinGen allele CA340480668.